The following is an entry in ClinVar:

NM_207361.6(FREM2):c.6186_6188delinsAATTACAGAA (p.Gly2063fs)

Gene: FREM2 (FRAS1 related extracellular matrix 2; plus strand). Cytogenetic location: 13q13.3.
Variant type: Indel.
Coding change: c.6186_6188delinsAATTACAGAA on transcript NM_207361.6 (MANE Select); coding-DNA positions 6186 to 6188, GGG replaced by AATTACAGAA.
Protein change: p.Gly2063fs; shifts the reading frame from glycine 2063.
Molecular consequence: frameshift variant.
Genome position (GRCh38, 1-based): chr13:38,848,477-38,848,479, GGG replaced by AATTACAGAA. VCF-style: chr13-38848477-GGG-AATTACAGAA. GRCh37 (hg19) VCF-style: chr13-39422614-GGG-AATTACAGAA.
Other names: short protein forms G2063fs.
Identifiers: ClinVar variation 916636 (VCV000916636.1), dbSNP rs1877244252, ClinGen allele CA1139663273.
Genomic context (GRCh38, chr13:38,848,477, plus strand): 5'-ATTTAATTAGTCCCCAACTGAATATTTTTTTGTTACTGTCATAGCTGGAACAGACTATGT[GGG>AATTACAGAA]CATCAGCCGTAATTTAGATTTTGCACCTGGAGTCAACATGCAGCCTGTTCGTGTTGTCAT-3'

ClinVar aggregate classification (germline): Pathogenic (1 of 4 stars; one submission).

Conditions:
Fraser syndrome 2 (FRASRS2). Identifiers: MedGen C4540036, MONDO:0054738, OMIM 617666.

Submission:

Service de Biochimie Médicale et Biologie Moléculaire, CHU Clermont-Ferrand
Classification: Pathogenic for Fraser syndrome 2. Last evaluated: 2018-09-14. Review status: criteria provided, single submitter. Criteria: ACMG Guidelines, 2015. Collection method: clinical testing. Allele origin: inherited. Inheritance: Autosomal recessive inheritance. Affected: yes.
Comment: This variant in homozygous state or compound heterozygous state induced Fraser syndrome phenotype